The following is an entry in ClinVar:

NM_001943.5(DSG2):c.1836C>T (p.Pro612=)

Gene: DSG2 (desmoglein 2; plus strand). Cytogenetic location: 18q12.1.
Variant type: single nucleotide variant.
Coding change: c.1836C>T on transcript NM_001943.5 (MANE Select); coding-DNA position 1836, C replaced by T.
Protein change: p.Pro612=; no amino-acid change (proline 612 retained).
Molecular consequence: synonymous variant.
Genome position (GRCh38, 1-based): chr18:31,538,935, C>T. VCF-style: chr18-31538935-C-T. GRCh37 (hg19) VCF-style: chr18-29118898-C-T.
Identifiers: ClinVar variation 927095 (VCV000927095.15), dbSNP rs374288967, ClinGen allele CA043849.

ClinVar aggregate classification (germline): Likely benign. Review status: criteria provided, multiple submitters, no conflicts (2 of 4 stars). 5 submissions from 5 submitters: Likely benign (5). Last evaluated 2025-12-27.

Conditions:
Cardiovascular phenotype. Identifiers: MedGen CN230736.
Arrhythmogenic right ventricular cardiomyopathy (ARVD). Also called: Cardiomyopathy, ARVC; Arrhythmogenic right ventricular dysplasia; Arrhythmogenic cardiomyopathy; Arrhythmogenic Right Ventricular Cardiomyopathy (ARVC). Identifiers: Orphanet 247, MedGen C0349788, MeSH D019571, MONDO:0016587. Disease mechanism: loss of function. Inheritance: Various modes of inheritance.
Cardiomyopathy (CMYO). Also called: Cardiomyopathies. Identifiers: Orphanet 167848, MedGen C0878544, MONDO:0004994, HP:0001638. Inheritance: Various modes of inheritance.
Arrhythmogenic right ventricular dysplasia 10. Also called: Arrhythmogenic Right Ventricular Dysplasia/Cardiomyopathy10; Arrhythmogenic right ventricular dysplasia/cardiomyopathy, type 10; ARRHYTHMOGENIC RIGHT VENTRICULAR DYSPLASIA, FAMILIAL, 10. Identifiers: MedGen C1857777, MONDO:0012434, OMIM 610193.

Allele frequency attached by ClinVar (database versions not stated): ExAC 0.00001; gnomAD 0.00001 and 0.00002; gnomAD exomes 0.00001; TOPMed 0.00004; ESP Exome Variant Server 0.00008; 1000 Genomes Project 30x 0.00016.
gnomAD v4.1: 24 of 1,614,034 alleles (0.0015%); highest among the groups gnomAD compares: Admixed American, 0.017%; no homozygotes.

Submissions (5):

Labcorp Genetics (formerly Invitae), Labcorp
Classification: Likely benign for Arrhythmogenic right ventricular dysplasia 10. Last evaluated: 2025-12-27. Review status: criteria provided, single submitter. Criteria: Invitae Variant Classification Sherloc (09022015). Collection method: clinical testing. Allele origin: germline.

All of Us Research Program, National Institutes of Health
Classification: Likely benign for Arrhythmogenic right ventricular cardiomyopathy. Last evaluated: 2023-12-13. Review status: criteria provided, single submitter. Criteria: ACMG Guidelines, 2015. Collection method: clinical testing. Allele origin: germline. Inheritance: Autosomal dominant inheritance. Observed: 4 variant alleles, 4 heterozygotes.
Comment: This study involves interpretation of variants in research participants for the purpose of population health screening. Participant phenotype was not available at the time of variant classification. Additional details can be found in publication PMID: 35346344, PMCID: PMC8962531

Blueprint Genetics
Classification: Likely benign. Last evaluated: 2022-11-03. Review status: criteria provided, single submitter. Criteria: ACMG Guidelines, 2015. Collection method: clinical testing. Allele origin: germline.

Ambry Genetics
Classification: Likely benign for Cardiovascular phenotype. Last evaluated: 2020-01-28. Review status: criteria provided, single submitter. Criteria: Ambry Variant Classification Scheme 2023. Collection method: clinical testing. Allele origin: germline.

Color Diagnostics, LLC DBA Color Health
Classification: Likely benign for Cardiomyopathy. Last evaluated: 2019-12-23. Review status: criteria provided, single submitter. Criteria: ACMG Guidelines, 2015. Collection method: clinical testing. Allele origin: germline.